The following is an entry in ClinVar:

NM_000138.5(FBN1):c.5728G>T (p.Gly1910Cys)

Gene: FBN1 (fibrillin 1; minus strand). Cytogenetic location: 15q21.1.
Variant type: single nucleotide variant.
Coding change: c.5728G>T on transcript NM_000138.5 (MANE Select); coding-DNA position 5728, G replaced by T.
Protein change: p.Gly1910Cys; replaces glycine 1910 with cysteine.
Molecular consequence: missense variant.
Genome position (GRCh38, 1-based): chr15:48,446,766, C>A on the plus strand (G>T on the coding strand, the complement: FBN1 is on the minus strand). VCF-style: chr15-48446766-C-A. GRCh37 (hg19) VCF-style: chr15-48738963-C-A.
Other names: short protein forms G1910C.
Identifiers: ClinVar variation 641330 (VCV000641330.8), dbSNP rs1597533619, ClinGen allele CA392341254.
Genomic context (GRCh38, chr15:48,446,766, plus strand): 5'-CTATACAGTCATTGTTGTGAGAAAGGATGAAACCATGATTGCAGCGGCAGTTGAAGGAAC[C>A]AATTGTGTTCCGGCAAGTTCCATTCCCACAGGCATCTCTTTCACATTCATTTATGTCTAG-3'
Protein context (NP_000129.3, residues 1900-1920): CGNGTCRNTI[Gly1910Cys]SFNCRCNHGF

ClinVar aggregate classification (germline): Likely pathogenic (1 of 4 stars; one submission).

Conditions:
Familial thoracic aortic aneurysm and aortic dissection (TAAD). Also called: Thoracic aortic aneurysms and dissections. Identifiers: Orphanet 91387, MedGen C4707243, MONDO:0019625.
Marfan syndrome (MFS). Also called: FBN1-Related Marfan Syndrome; Marfan syndrome type 1; Marfan's syndrome; Marfan syndrome, classic; MARFAN SYNDROME, TYPE I. Identifiers: Orphanet 284963, Orphanet 558, MedGen C0024796, MONDO:0007947, OMIM 154700.

Submission:

Labcorp Genetics (formerly Invitae), Labcorp
Classification: Likely pathogenic for Marfan syndrome; Familial thoracic aortic aneurysm and aortic dissection. Last evaluated: 2024-04-30. Review status: criteria provided, single submitter. Criteria: Invitae Variant Classification Sherloc (09022015). Collection method: clinical testing. Allele origin: germline.
Comment: This sequence change replaces glycine, which is neutral and non-polar, with cysteine, which is neutral and slightly polar, at codon 1910 of the FBN1 protein (p.Gly1910Cys). This variant is not present in population databases (gnomAD no frequency). This missense change has been observed in individuals with clinical features of Marfan syndrome (Invitae). ClinVar contains an entry for this variant (Variation ID: 641330). Advanced modeling of protein sequence and biophysical properties (such as structural, functional, and spatial information, amino acid conservation, physicochemical variation, residue mobility, and thermodynamic stability) performed at Invitae indicates that this missense variant is expected to disrupt FBN1 protein function with a positive predictive value of 95%. In summary, the currently available evidence indicates that the variant is pathogenic, but additional data are needed to prove that conclusively. Therefore, this variant has been classified as Likely Pathogenic.